The following is an entry in ClinVar:

ClinVar aggregate classification (germline): Uncertain significance (1 of 4 stars; one submission).

Conditions:
Immunodeficiency, common variable, 4. Also called: ANTIBODY DEFICIENCY DUE TO BAFFR DEFECT. Identifiers: Orphanet 1572, Orphanet 696925, MedGen C3150739, MONDO:0013284, OMIM 613494.

Allele frequency attached by ClinVar (database versions not stated): gnomAD exomes below 0.00001 and 0.00001.

Submission:

Labcorp Genetics (formerly Invitae), Labcorp
Classification: Uncertain significance for Immunodeficiency, common variable, 4. Last evaluated: 2025-01-06. Review status: criteria provided, single submitter. Criteria: Invitae Variant Classification Sherloc (09022015). Collection method: clinical testing. Allele origin: germline.
Comment: This sequence change replaces glycine, which is neutral and non-polar, with serine, which is neutral and polar, at codon 64 of the TNFRSF13C protein (p.Gly64Ser). This variant is present in population databases (no rsID available, gnomAD 0.006%). This variant has not been reported in the literature in individuals affected with TNFRSF13C-related conditions. ClinVar contains an entry for this variant (Variation ID: 857768). An algorithm developed to predict the effect of missense changes on protein structure and function (PolyPhen-2) suggests that this variant is likely to be disruptive. In summary, the available evidence is currently insufficient to determine the role of this variant in disease. Therefore, it has been classified as a Variant of Uncertain Significance.

NM_052945.4(TNFRSF13C):c.190G>A (p.Gly64Ser)

Genes: TNFRSF13C (TNF receptor superfamily member 13C; minus strand), LOC130067574 (ATAC-STARR-seq lymphoblastoid silent region 13813; plus strand). Cytogenetic location: 22q13.2.
Variant type: single nucleotide variant.
Coding change: c.190G>A on transcript NM_052945.4 (MANE Select); coding-DNA position 190, G replaced by A.
Protein change: p.Gly64Ser; replaces glycine 64 with serine.
Molecular consequence: missense variant.
Genome position (GRCh38, 1-based): chr22:41,926,278, C>T on the plus strand (G>A on the coding strand, the complement: TNFRSF13C is on the minus strand). VCF-style: chr22-41926278-C-T. GRCh37 (hg19) VCF-style: chr22-42322282-C-T.
Other names: short protein forms G64S.
Identifiers: ClinVar variation 857768 (VCV000857768.10), dbSNP rs1439217837, ClinGen allele CA411763311.